The following is an entry in ClinVar:

NM_032730.5(RTN4IP1):c.6A>T (p.Glu2Asp)

Gene: RTN4IP1 (reticulon 4 interacting protein 1; minus strand). Cytogenetic location: 6q21.
Variant type: single nucleotide variant.
Coding change: c.6A>T on transcript NM_032730.5 (MANE Select); coding-DNA position 6, A replaced by T.
Protein change: p.Glu2Asp; replaces glutamic acid 2 with aspartic acid.
Molecular consequence: missense variant. On other transcripts: intron variant (1).
Genome position (GRCh38, 1-based): chr6:106,629,016, T>A on the plus strand (A>T on the coding strand, the complement: RTN4IP1 is on the minus strand). VCF-style: chr6-106629016-T-A. GRCh37 (hg19) VCF-style: chr6-107076891-T-A.
Other names: c.-27+1311A>T (NM_001318746.1); short protein forms E2D.
Identifiers: ClinVar variation 1390495 (VCV001390495.6), dbSNP rs779838599, ClinGen allele CA365169321.
Genomic context (GRCh38, chr6:106,629,016, plus strand): 5'-GCTTCTCCAGAAGCAAACCGCAGTGCATGCATTTCTTCTAAGTACACAAGTCTTCAGAAA[T>A]TCCATTGTAAACACTGGTTGAACTGCGTGCTCAAATTCAAATACACTTGGACTGGATCAA-3'
Protein context (NP_116119.2, residues 1-12): M[Glu2Asp]FLKTCVLRRN

ClinVar aggregate classification (germline): Uncertain significance (1 of 4 stars; one submission).

Submission:

Labcorp Genetics (formerly Invitae), Labcorp
Classification: Uncertain significance. Last evaluated: 2021-11-01. Review status: criteria provided, single submitter. Criteria: Invitae Variant Classification Sherloc (09022015). Collection method: clinical testing. Allele origin: germline.
Comment: This variant is not present in population databases (gnomAD no frequency). This sequence change replaces glutamic acid, which is acidic and polar, with aspartic acid, which is acidic and polar, at codon 2 of the RTN4IP1 protein (p.Glu2Asp). This variant has not been reported in the literature in individuals affected with RTN4IP1-related conditions. In summary, the available evidence is currently insufficient to determine the role of this variant in disease. Therefore, it has been classified as a Variant of Uncertain Significance. Algorithms developed to predict the effect of missense changes on protein structure and function (SIFT, PolyPhen-2, Align-GVGD) all suggest that this variant is likely to be tolerated.